The following is an entry in ClinVar:

NM_206933.4(USH2A):c.4325T>C (p.Phe1442Ser)

Gene: USH2A (usherin; minus strand). Cytogenetic location: 1q41.
Variant type: single nucleotide variant.
Coding change: c.4325T>C on transcript NM_206933.4 (MANE Select); coding-DNA position 4325, T replaced by C.
Protein change: p.Phe1442Ser; replaces phenylalanine 1442 with serine.
Molecular consequence: missense variant.
Genome position (GRCh38, 1-based): chr1:216,190,294, A>G on the plus strand (T>C on the coding strand, the complement: USH2A is on the minus strand). VCF-style: chr1-216190294-A-G. GRCh37 (hg19) VCF-style: chr1-216363636-A-G.
Other names: c.4325T>C, p.Phe1442Ser (NM_007123.6); short protein forms F1442S.
Identifiers: ClinVar variation 1351689 (VCV001351689.7), dbSNP rs766108245, ClinGen allele CA1395749.

ClinVar aggregate classification (germline): Pathogenic. Review status: criteria provided, multiple submitters, no conflicts (2 of 4 stars). 2 submissions from 2 submitters: Pathogenic (2). Last evaluated 2024-12-02.

Conditions:
Usher syndrome. Also called: Usher Syndromes; Usher's syndrome. Identifiers: Orphanet 886, MedGen CN469326, MeSH D052245, MONDO:0019501. Disease mechanism: loss of function.

Allele frequency attached by ClinVar (database versions not stated): gnomAD exomes below 0.00001 and 0.00001; TOPMed below 0.00001; ExAC 0.00001.
gnomAD v4.1: 7 of 1,612,632 alleles (0.00043%); highest among the groups gnomAD compares: Non-Finnish European, 0.00025%; no homozygotes.

Submissions (2):

Labcorp Genetics (formerly Invitae), Labcorp
Classification: Pathogenic. Last evaluated: 2024-12-02. Review status: criteria provided, single submitter. Criteria: Invitae Variant Classification Sherloc (09022015). Collection method: clinical testing. Allele origin: germline.
Comment: This sequence change replaces phenylalanine, which is neutral and non-polar, with serine, which is neutral and polar, at codon 1442 of the USH2A protein (p.Phe1442Ser). This variant is present in population databases (rs766108245, gnomAD 0.0009%). This missense change has been observed in individuals with retinitis pigmentosa (PMID: 24227914, 24516651, 30190494). It has also been observed to segregate with disease in related individuals. ClinVar contains an entry for this variant (Variation ID: 1351689). Invitae Evidence Modeling of protein sequence and biophysical properties (such as structural, functional, and spatial information, amino acid conservation, physicochemical variation, residue mobility, and thermodynamic stability) indicates that this missense variant is expected to disrupt USH2A protein function with a positive predictive value of 95%. For these reasons, this variant has been classified as Pathogenic.

Women's Health and Genetics/Laboratory Corporation of America, LabCorp
Classification: Pathogenic for Usher syndrome. Last evaluated: 2024-09-20. Review status: criteria provided, single submitter. Criteria: LabCorp Variant Classification Summary - May 2015. Collection method: clinical testing. Allele origin: germline.
Comment: Variant summary: USH2A c.4325T>C (p.Phe1442Ser) results in a non-conservative amino acid change located in the Fibronectin type III domain (IPR003961) of the encoded protein sequence. Five of five in-silico tools predict a damaging effect of the variant on protein function. The variant allele was found at a frequency of 1.2e-05 in 250688 control chromosomes. c.4325T>C has been reported in the literature in multiple compound heterozygous individuals affected with Usher Syndrome. These data indicate that the variant is very likely to be associated with disease. To our knowledge, no experimental evidence demonstrating an impact on protein function has been reported. The following publications have been ascertained in the context of this evaluation (PMID: 30190494, 24227914, 36819107). ClinVar contains an entry for this variant (Variation ID: 1351689). Based on the evidence outlined above, the variant was classified as pathogenic.

Literature cited by the submitters: PubMed 24227914 (cited by Labcorp Genetics (formerly Invitae), Labcorp and Women's Health and Genetics/Laboratory Corporation of America, LabCorp); PubMed 24516651 (cited by Labcorp Genetics (formerly Invitae), Labcorp); PubMed 30190494 (cited by Labcorp Genetics (formerly Invitae), Labcorp and Women's Health and Genetics/Laboratory Corporation of America, LabCorp); PubMed 36819107 (cited by Women's Health and Genetics/Laboratory Corporation of America, LabCorp).